The following is an entry in ClinVar:

NM_207034.3(EDN3):c.244G>A (p.Glu82Lys)

Gene: EDN3 (endothelin 3; plus strand). Cytogenetic location: 20q13.32.
Variant type: single nucleotide variant.
Coding change: c.244G>A on transcript NM_207034.3 (MANE Select); coding-DNA position 244, G replaced by A.
Protein change: p.Glu82Lys; replaces glutamic acid 82 with lysine.
Molecular consequence: missense variant.
Genome position (GRCh38, 1-based): chr20:59,301,601, G>A. VCF-style: chr20-59301601-G-A. GRCh37 (hg19) VCF-style: chr20-57876656-G-A.
Other names: c.244G>A, p.Glu82Lys (NM_001302455.2, NM_001302456.2, NM_207032.3 and 1 more transcripts); short protein forms E82K.
Identifiers: ClinVar variation 1381061 (VCV001381061.6), dbSNP rs370091378, ClinGen allele CA9930305.

ClinVar aggregate classification (germline): Uncertain significance (1 of 4 stars; one submission).

Allele frequency attached by ClinVar (database versions not stated): gnomAD 0.00001; gnomAD exomes 0.00002 and 0.00003; TOPMed 0.00002; ExAC 0.00003; ESP Exome Variant Server 0.00008.
gnomAD v4.1: 37 of 1,613,930 alleles (0.0023%); highest among the groups gnomAD compares: Middle Eastern, 0.016%; no homozygotes.

Submission:

Labcorp Genetics (formerly Invitae), Labcorp
Classification: Uncertain significance. Last evaluated: 2023-07-07. Review status: criteria provided, single submitter. Criteria: Invitae Variant Classification Sherloc (09022015). Collection method: clinical testing. Allele origin: germline.
Comment: In summary, the available evidence is currently insufficient to determine the role of this variant in disease. Therefore, it has been classified as a Variant of Uncertain Significance. Algorithms developed to predict the effect of missense changes on protein structure and function output the following: SIFT: "Not Available"; PolyPhen-2: "Benign"; Align-GVGD: "Not Available". The lysine amino acid residue is found in multiple mammalian species, which suggests that this missense change does not adversely affect protein function. ClinVar contains an entry for this variant (Variation ID: 1381061). This variant has not been reported in the literature in individuals affected with EDN3-related conditions. This variant is present in population databases (rs370091378, gnomAD 0.006%). This sequence change replaces glutamic acid, which is acidic and polar, with lysine, which is basic and polar, at codon 82 of the EDN3 protein (p.Glu82Lys).